The following is an entry in ClinVar:

NM_001379291.1(BRD4):c.2843T>C (p.Val948Ala)

Gene: BRD4 (bromodomain containing 4; minus strand). Cytogenetic location: 19p13.12.
Variant type: single nucleotide variant.
Coding change: c.2843T>C on transcript NM_001379291.1 (MANE Select); coding-DNA position 2843, T replaced by C.
Protein change: p.Val948Ala; replaces valine 948 with alanine.
Molecular consequence: missense variant.
Genome position (GRCh38, 1-based): chr19:15,243,226, A>G on the plus strand (T>C on the coding strand, the complement: BRD4 is on the minus strand). VCF-style: chr19-15243226-A-G. GRCh37 (hg19) VCF-style: chr19-15354037-A-G.
Other names: c.2843T>C, p.Val948Ala (NM_058243.3); short protein forms V948A.
Identifiers: ClinVar variation 3029281 (VCV003029281.2), dbSNP rs199555361, ClinGen allele CA305789046.

ClinVar aggregate classification (germline): Uncertain significance (0 of 4 stars; one submission).

Conditions:
BRD4-related disorder. Also called: BRD4-related condition.

Allele frequency attached by ClinVar (database versions not stated): gnomAD 0.00001; 1000 Genomes Project 30x 0.00016; 1000 Genomes Project 0.00020.

Submission:

PreventionGenetics, part of Exact Sciences
Classification: Uncertain significance for BRD4-related condition. Last evaluated: 2024-02-14. Review status: no assertion criteria provided. Collection method: clinical testing. Allele origin: germline.
Comment: The BRD4 c.2843T>C variant is predicted to result in the amino acid substitution p.Val948Ala. To our knowledge, this variant has not been reported in the literature or in a large population database, indicating this variant is rare. At this time, the clinical significance of this variant is uncertain due to the absence of conclusive functional and genetic evidence.